The following is an entry in ClinVar:

NM_052947.4(ALPK2):c.6473A>G (p.Lys2158Arg)

Gene: ALPK2 (alpha kinase 2; minus strand). Cytogenetic location: 18q21.31.
Variant type: single nucleotide variant.
Coding change: c.6473A>G on transcript NM_052947.4 (MANE Select); coding-DNA position 6473, A replaced by G.
Protein change: p.Lys2158Arg; replaces lysine 2158 with arginine.
Molecular consequence: missense variant.
Genome position (GRCh38, 1-based): chr18:58,481,863, T>C on the plus strand (A>G on the coding strand, the complement: ALPK2 is on the minus strand). VCF-style: chr18-58481863-T-C. GRCh37 (hg19) VCF-style: chr18-56149095-T-C.
Other names: short protein forms K2158R.
Identifiers: ClinVar variation 3290366 (VCV003290366.1).

ClinVar aggregate classification (germline): Uncertain significance (1 of 4 stars; one submission).

Submission:

Ambry Genetics
Classification: Uncertain significance. Last evaluated: 2024-05-14. Review status: criteria provided, single submitter. Criteria: Ambry Variant Classification Scheme 2023. Collection method: clinical testing. Allele origin: germline.
Comment: The p.K2158R variant (also known as c.6473A>G), located in coding exon 12 of the ALPK2 gene, results from an A to G substitution at nucleotide position 6473. The lysine at codon 2158 is replaced by arginine, an amino acid with highly similar properties. This amino acid position is conserved. In addition, this alteration is predicted to be tolerated by in silico analysis. Based on the available evidence, the clinical significance of this variant remains unclear.